The following is an entry in ClinVar:

ClinVar aggregate classification (germline): Uncertain significance (1 of 4 stars; one submission).

Submission:

GeneDx
Classification: Uncertain significance. Last evaluated: 2024-05-08. Review status: criteria provided, single submitter. Criteria: GeneDx Variant Classification Process June 2021. Collection method: clinical testing. Allele origin: germline. Affected: yes.
Comment: Not observed at significant frequency in large population cohorts (gnomAD); In silico analysis supports that this missense variant has a deleterious effect on protein structure/function; Has not been previously published as pathogenic or benign to our knowledge

NM_001170629.2(CHD8):c.4891A>G (p.Lys1631Glu)

Gene: CHD8 (chromodomain helicase DNA binding protein 8; minus strand). Cytogenetic location: 14q11.2.
Variant type: single nucleotide variant.
Coding change: c.4891A>G on transcript NM_001170629.2 (MANE Select); coding-DNA position 4891, A replaced by G.
Protein change: p.Lys1631Glu; replaces lysine 1631 with glutamic acid.
Molecular consequence: missense variant.
Genome position (GRCh38, 1-based): chr14:21,399,632, T>C on the plus strand (A>G on the coding strand, the complement: CHD8 is on the minus strand). VCF-style: chr14-21399632-T-C. GRCh37 (hg19) VCF-style: chr14-21867791-T-C.
Other names: c.4054A>G, p.Lys1352Glu (NM_020920.4); short protein forms K1352E, K1631E.
Identifiers: ClinVar variation 3378184 (VCV003378184.1).
Genomic context (GRCh38, chr14:21,399,632, plus strand): 5'-GAAAGGAGTAGAATAGGAGAAGATACGTACCATGTTTAAAGACTCCAATGAGCAGCGACT[T>C]GTCAGCCTCACTGTCCCACCAAGTTGTTGGAACCTCCAGTTGATCCACTACTGGGAACCA-3'
Protein context (NP_001164100.1, residues 1621-1641): PTTWWDSEAD[Lys1631Glu]SLLIGVFKHG